The following is an entry in ClinVar:

ClinVar aggregate classification (germline): Likely pathogenic (1 of 4 stars; one submission).

Conditions:
Rauch-Steindl syndrome (RAUST). Identifiers: Orphanet 659642, MedGen C5562061, MONDO:0859219, OMIM 619695.

Submission:

Institute of Human Genetics, University of Leipzig Medical Center
Classification: Likely pathogenic for Rauch-Steindl syndrome. Last evaluated: 2024-10-01. Review status: criteria provided, single submitter. Criteria: ACMG Guidelines, 2015. Collection method: clinical testing. Allele origin: unknown. Affected: yes.
Comment: Criteria applied: PVS1_STR,PM2

NM_001042424.3(NSD2):c.2518+2T>C

Gene: NSD2 (nuclear receptor binding SET domain protein 2; plus strand). Cytogenetic location: 4p16.3.
Variant type: single nucleotide variant.
Coding change: c.2518+2T>C on transcript NM_001042424.3 (MANE Select); the canonical splice donor site of the intron after coding-DNA position 2518, T replaced by C.
Molecular consequence: splice donor variant.
Genome position (GRCh38, 1-based): chr4:1,955,342, T>C. VCF-style: chr4-1955342-T-C. GRCh37 (hg19) VCF-style: chr4-1957069-T-C.
Other names: c.2518+2T>C (NM_133330.3, NM_133331.3, NM_133335.4).
Identifiers: ClinVar variation 3359065 (VCV003359065.2).
Genomic context (GRCh38, chr4:1,955,342, plus strand): 5'-GAAGGGGAAGCGACACCACGCCCACGTCAACGTGAGCTGGTGCTTCGTGTGCTCCAAAGG[T>C]GAGGGGCCTGGGGGTGTCTGCGGCACACGCCTCTCACACTCCCAGGAGCCACATATCAAG-3'